The following is an entry in ClinVar:

NM_003924.4(PHOX2B):c.839T>C (p.Ile280Thr)

Gene: PHOX2B (paired like homeobox 2B; minus strand). Cytogenetic location: 4p13.
Variant type: single nucleotide variant.
Coding change: c.839T>C on transcript NM_003924.4 (MANE Select); coding-DNA position 839, T replaced by C.
Protein change: p.Ile280Thr; replaces isoleucine 280 with threonine.
Molecular consequence: missense variant.
Genome position (GRCh38, 1-based): chr4:41,745,913, A>G on the plus strand (T>C on the coding strand, the complement: PHOX2B is on the minus strand). VCF-style: chr4-41745913-A-G. GRCh37 (hg19) VCF-style: chr4-41747930-A-G.
Other names: short protein forms I280T.
Identifiers: ClinVar variation 4665994 (VCV004665994.1).

ClinVar aggregate classification (germline): Uncertain significance (1 of 4 stars; one submission).

Conditions:
Hereditary cancer-predisposing syndrome. Also called: Neoplastic Syndromes, Hereditary; Tumor predisposition; Hereditary Cancer Syndrome; Hereditary neoplastic syndrome. Identifiers: Orphanet 140162, MedGen C0027672, MeSH D009386, MONDO:0015356.

Submission:

Ambry Genetics
Classification: Uncertain significance for Hereditary cancer-predisposing syndrome. Last evaluated: 2025-10-27. Review status: criteria provided, single submitter. Criteria: Ambry Variant Classification Scheme 2023. Collection method: clinical testing. Allele origin: germline.
Comment: The p.I280T variant (also known as c.839T>C), located in coding exon 3 of the PHOX2B gene, results from a T to C substitution at nucleotide position 839. The isoleucine at codon 280 is replaced by threonine, an amino acid with similar properties. This amino acid position is conserved. In addition, the in silico prediction for this alteration is inconclusive. Based on the available evidence, the clinical significance of this variant remains unclear.